The following is an entry in ClinVar:

ClinVar aggregate classification (germline): Uncertain significance. Review status: criteria provided, multiple submitters, no conflicts (2 of 4 stars). 3 submissions from 3 submitters: Uncertain significance (3). Last evaluated 2025-09-06.
ClinVar aggregate classification (oncogenicity): Uncertain significance (1 of 4 stars; one submission).

Conditions:
Hereditary cancer-predisposing syndrome. Also called: Tumor predisposition; Hereditary Cancer Syndrome; Neoplastic Syndromes, Hereditary; Hereditary neoplastic syndrome. Identifiers: Orphanet 140162, MedGen C0027672, MeSH D009386, MONDO:0015356.
Familial cancer of breast. Also called: hereditary breast carcinoma; BREAST CANCER, FAMILIAL; Hereditary breast cancer. Identifiers: Orphanet 227535, MedGen C0346153, MONDO:0016419, OMIM 114480. Disease mechanism: loss of function.
Neoplasm. Also called: Neoplasms; Neoplasm (disease); tumor. Identifiers: MedGen C0027651, MeSH D009369, MONDO:0005070, HP:0002664.

Submissions (4):

Ambry Genetics
Classification: Uncertain significance for Hereditary cancer-predisposing syndrome. Last evaluated: 2025-09-06. Review status: criteria provided, single submitter. Criteria: Ambry Variant Classification Scheme 2023. Collection method: clinical testing. Allele origin: germline.
Comment: The p.D347E variant (also known as c.1041C>G), located in coding exon 9 of the CHEK2 gene, results from a C to G substitution at nucleotide position 1041. The aspartic acid at codon 347 is replaced by glutamic acid, an amino acid with highly similar properties. This amino acid position is highly conserved in available vertebrate species. In addition, this alteration is predicted to be deleterious by in silico analysis. Based on the available evidence, the clinical significance of this variant remains unclear.

Center for Genomic Medicine, Rigshospitalet, Copenhagen University Hospital
Classification: Uncertain significance for Neoplasm. Last evaluated: 2025-03-04. Review status: criteria provided, single submitter. Criteria: ClinGen/CGC/VICC Guidelines for Oncogenicity, 2022. Collection method: clinical testing. Allele origin: somatic. Affected: yes.

Baylor Genetics
Classification: Uncertain significance for Familial cancer of breast. Last evaluated: 2023-11-02. Review status: criteria provided, single submitter. Criteria: ACMG Guidelines, 2015. Collection method: clinical testing. Allele origin: unknown.

Labcorp Genetics (formerly Invitae), Labcorp
Classification: Uncertain significance for Familial cancer of breast. Last evaluated: 2022-02-23. Review status: criteria provided, single submitter. Criteria: Invitae Variant Classification Sherloc (09022015). Collection method: clinical testing. Allele origin: germline.
Comment: Algorithms developed to predict the effect of sequence changes on RNA splicing suggest that this variant may create or strengthen a splice site. In summary, the available evidence is currently insufficient to determine the role of this variant in disease. Therefore, it has been classified as a Variant of Uncertain Significance. Algorithms developed to predict the effect of missense changes on protein structure and function are either unavailable or do not agree on the potential impact of this missense change (SIFT: "Deleterious"; PolyPhen-2: "Probably Damaging"; Align-GVGD: "Class C0"). This variant has not been reported in the literature in individuals affected with CHEK2-related conditions. This variant is not present in population databases (gnomAD no frequency). This sequence change replaces aspartic acid, which is acidic and polar, with glutamic acid, which is acidic and polar, at codon 347 of the CHEK2 protein (p.Asp347Glu).

Literature cited by the submitters: PubMed 34903604 (cited by Center for Genomic Medicine, Rigshospitalet, Copenhagen University Hospital); PubMed 9836640 (cited by Center for Genomic Medicine, Rigshospitalet, Copenhagen University Hospital); PubMed 11298456 (cited by Center for Genomic Medicine, Rigshospitalet, Copenhagen University Hospital); PubMed 30851065 (cited by Center for Genomic Medicine, Rigshospitalet, Copenhagen University Hospital).

NM_007194.4(CHEK2):c.1041C>G (p.Asp347Glu)

Gene: CHEK2 (checkpoint kinase 2; minus strand). Cytogenetic location: 22q12.1.
Variant type: single nucleotide variant.
Coding change: c.1041C>G on transcript NM_007194.4 (MANE Select); coding-DNA position 1041, C replaced by G.
Protein change: p.Asp347Glu; replaces aspartic acid 347 with glutamic acid.
Molecular consequence: missense variant. On other transcripts: intron variant (3).
Genome position (GRCh38, 1-based): chr22:28,696,955, G>C on the plus strand (C>G on the coding strand, the complement: CHEK2 is on the minus strand). VCF-style: chr22-28696955-G-C. GRCh37 (hg19) VCF-style: chr22-29092943-G-C.
Other names: c.1170C>G, p.Asp390Glu (NM_001005735.3); c.378C>G, p.Asp126Glu (NM_001257387.3, NM_001437942.1); c.840C>G, p.Asp280Glu (NM_001349956.3); c.1134C>G, p.Asp378Glu (NM_001438293.1); c.1009-1082C>G (NM_145862.3); c.1102-1082C>G (NM_001438295.1); c.1138-1082C>G (NM_001438294.1); c.1041C>G (NM_007194.3); short protein forms D280E, D126E, D390E, D347E, D378E.
Identifiers: ClinVar variation 2057833 (VCV002057833.7), dbSNP rs2145817317, ClinGen allele CA411097717.